The following is an entry in ClinVar:

NM_000059.4(BRCA2):c.9228A>T (p.Gly3076=)

Gene: BRCA2 (BRCA2 DNA repair associated; plus strand). Cytogenetic location: 13q13.1.
Variant type: single nucleotide variant.
Coding change: c.9228A>T on transcript NM_000059.4 (MANE Select); coding-DNA position 9228, A replaced by T.
Protein change: p.Gly3076=; no amino-acid change (glycine 3076 retained).
Molecular consequence: synonymous variant.
Genome position (GRCh38, 1-based): chr13:32,380,117, A>T. VCF-style: chr13-32380117-A-T. GRCh37 (hg19) VCF-style: chr13-32954254-A-T.
Identifiers: ClinVar variation 230557 (VCV000230557.7), dbSNP rs876658632, ClinGen allele CA10579819.
Genomic context (GRCh38, chr13:32,380,117, plus strand): 5'-CTTCAGCAAATTTTTAGATCCAGACTTTCAGCCATCTTGTTCTGAGGTGGACCTAATAGG[A>T]TTTGTCGTTTCTGTTGTGAAAAAAACAGGTAATGCACAATATAGTTAATTTTTTTTATTG-3'
Protein context (NP_000050.3, residues 3066-3086): QPSCSEVDLI[Gly3076=]FVVSVVKKTG

ClinVar aggregate classification (germline): Likely benign. Review status: reviewed by expert panel (3 of 4 stars). 2 submissions from 2 submitters: Likely benign (1). 1 of the submissions does not count toward it. Last evaluated 2017-06-29.

Conditions:
Hereditary cancer-predisposing syndrome. Also called: Hereditary Cancer Syndrome; Neoplastic Syndromes, Hereditary; Tumor predisposition; Hereditary neoplastic syndrome. Identifiers: Orphanet 140162, MedGen C0027672, MeSH D009386, MONDO:0015356.
Breast-ovarian cancer, familial, susceptibility to, 2 (BROVCA2). Also called: BRCA2 Hereditary Breast and Ovarian Cancer. Identifiers: Orphanet 145, MedGen C2675520, MONDO:0012933, OMIM 612555. Disease mechanism: loss of function.

Allele frequency attached by ClinVar (database versions not stated): TOPMed below 0.00001; gnomAD 0.00001.
gnomAD v4.1: 1 of 1,613,644 alleles (0.000062%); highest among the groups gnomAD compares: Non-Finnish European, 0.000085%; no homozygotes.

Submissions (2):

Evidence-based Network for the Interpretation of Germline Mutant Alleles (ENIGMA)
Classification: Likely benign for Breast-ovarian cancer, familial, susceptibility to, 2. Last evaluated: 2017-06-29. Review status: reviewed by expert panel. Criteria: ENIGMA BRCA1/2 Classification Criteria (2017-06-29). Collection method: curation. Allele origin: germline.
Comment: Synonymous substitution variant, with low bioinformatic likelihood to result in a splicing aberration (Splicing prior probability 0.02).

Ambry Genetics
Classification: Likely benign for Hereditary cancer-predisposing syndrome. Last evaluated: 2015-03-03. Review status: criteria provided, single submitter. Criteria: Ambry Variant Classification Scheme 2023. Collection method: clinical testing. Allele origin: germline. Not counted in ClinVar's aggregate classification.